The following is an entry in ClinVar:

ClinVar aggregate classification (germline): Conflicting classifications of pathogenicity. Review status: criteria provided, conflicting classifications (1 of 4 stars). 3 submissions from 2 submitters: Uncertain significance (1); Benign (1); Likely benign (1). Last evaluated 2022-04-18.

Conditions:
Optic atrophy 3 (OPA3). Also called: OPTIC ATROPHY 3, AUTOSOMAL DOMINANT; Optic atrophy, cataract, and neurologic disorder; Optic atrophy 3 with cataract. Identifiers: Orphanet 67036, MedGen C1833809, MONDO:0008133, OMIM 165300.
3-Methylglutaconic aciduria type 3 (MGCA3). Also called: OPA3, AUTOSOMAL RECESSIVE; OPTIC ATROPHY 3, AUTOSOMAL RECESSIVE; Costeff Syndrome; OPA3-Related 3-Methylglutaconic Aciduria. Identifiers: Orphanet 67047, MedGen C0574084, MONDO:0009787, OMIM 258501.

Allele frequency attached by ClinVar (database versions not stated): TOPMed 0.00044; 1000 Genomes Project 30x 0.00078; 1000 Genomes Project 0.00080; gnomAD exomes 0.01000.

Submissions (3):

GeneDx
Classification: Likely benign. Last evaluated: 2022-04-18. Review status: criteria provided, single submitter. Criteria: GeneDx Variant Classification Process June 2021. Collection method: clinical testing. Allele origin: germline. Affected: yes.

Illumina Laboratory Services, Illumina
Classification: Benign for Optic atrophy 3. Last evaluated: 2018-01-13. Review status: criteria provided, single submitter. Criteria: ICSL Variant Classification Criteria 13 December 2019. Collection method: clinical testing. Allele origin: germline.
Comment: This variant was observed in the ICSL laboratory as part of a predisposition screen in an ostensibly healthy population. It had not been previously curated by ICSL or reported in the Human Gene Mutation Database (HGMD: prior to June 1st, 2018), and was therefore a candidate for classification through an automated scoring system. Utilizing variant allele frequency, disease prevalence and penetrance estimates, and inheritance mode, an automated score was calculated to assess if this variant is too frequent to cause the disease. Based on the score and internal cut-off values, a variant classified as benign is not then subjected to further curation. The score for this variant resulted in a classification of benign for this disease.

Illumina Laboratory Services, Illumina
Classification: Uncertain significance for 3-Methylglutaconic aciduria type 3. Last evaluated: 2018-01-13. Review status: criteria provided, single submitter. Criteria: ICSL Variant Classification Criteria 13 December 2019. Collection method: clinical testing. Allele origin: germline.

NM_025136.4(OPA3):c.*6289A>G

Genes: OPA3 (outer mitochondrial membrane lipid metabolism regulator OPA3; minus strand), OPA3-RTN2 (OPA3-RTN2 readthrough; minus strand). Cytogenetic location: 19q13.32.
Variant type: single nucleotide variant.
Coding change: c.*6289A>G on transcript NM_025136.4 (MANE Select); 6289 bases downstream of the stop codon, A replaced by G.
Molecular consequence: 3 prime UTR variant. On other transcripts: intron variant (1).
Genome position (GRCh38, 1-based): chr19:45,547,225, T>C on the plus strand (A>G on the coding strand, the complement: OPA3 is on the minus strand). VCF-style: chr19-45547225-T-C. GRCh37 (hg19) VCF-style: chr19-46050483-T-C.
Other names: c.143-17769A>G (NM_001017989.3).
Identifiers: ClinVar variation 329567 (VCV000329567.6), dbSNP rs182293743, ClinGen allele CA10652556.